The following is an entry in ClinVar:

ClinVar aggregate classification (germline): Uncertain significance (1 of 4 stars; one submission).

gnomAD v4.1: 1 of 1,601,774 alleles (0.000062%); highest among the groups gnomAD compares: South Asian, 0.0011%; no homozygotes.

Submission:

GeneDx
Classification: Uncertain significance. Last evaluated: 2026-02-24. Review status: criteria provided, single submitter. Criteria: GeneDx Variant Classification Process June 2021. Collection method: clinical testing. Allele origin: germline.
Comment: Not observed at significant frequency in large population cohorts (gnomAD); In silico analysis suggests that this missense variant does not alter protein structure/function; Has not been previously published as pathogenic or benign to our knowledge

NM_001130438.3(SPTAN1):c.1571C>T (p.Thr524Ile)

Gene: SPTAN1 (spectrin alpha, non-erythrocytic 1; plus strand). Cytogenetic location: 9q34.11.
Variant type: single nucleotide variant.
Coding change: c.1571C>T on transcript NM_001130438.3 (MANE Select); coding-DNA position 1571, C replaced by T.
Protein change: p.Thr524Ile; replaces threonine 524 with isoleucine.
Molecular consequence: missense variant.
Genome position (GRCh38, 1-based): chr9:128,581,891, C>T. VCF-style: chr9-128581891-C-T. GRCh37 (hg19) VCF-style: chr9-131344170-C-T.
Other names: c.1571C>T, p.Thr524Ile (NM_001195532.2, NM_001363759.2, NM_001363765.2 and 10 more transcripts); c.1607C>T, p.Thr536Ile (NM_001375312.2, NM_001375318.1, NM_001438440.1); short protein forms T524I, T536I.
Identifiers: ClinVar variation 5007947 (VCV005007947.1).